The following is an entry in ClinVar:

NM_002474.3(MYH11):c.726C>T (p.Phe242=)

Gene: MYH11 (myosin heavy chain 11; minus strand). Cytogenetic location: 16p13.11.
Variant type: single nucleotide variant.
Coding change: c.726C>T on transcript NM_002474.3 (MANE Select); coding-DNA position 726, C replaced by T.
Protein change: p.Phe242=; no amino-acid change (phenylalanine 242 retained).
Molecular consequence: synonymous variant.
Genome position (GRCh38, 1-based): chr16:15,782,385, G>A on the plus strand (C>T on the coding strand, the complement: MYH11 is on the minus strand). VCF-style: chr16-15782385-G-A. GRCh37 (hg19) VCF-style: chr16-15876242-G-A.
Other names: c.747C>T, p.Phe249= (NM_001040113.2, NM_001040114.2); c.726C>T, p.Phe242= (NM_022844.3).
Identifiers: ClinVar variation 519947 (VCV000519947.21), dbSNP rs375302438, ClinGen allele CA7922845.

ClinVar aggregate classification (germline): Conflicting classifications of pathogenicity. Review status: criteria provided, conflicting classifications (1 of 4 stars). 6 submissions from 6 submitters: Uncertain significance (1); Likely benign (5). Last evaluated 2025-05-07.

Conditions:
Aortic aneurysm, familial thoracic 4 (AAT4). Also called: AORTIC ANEURYSM/AORTIC DISSECTION AND PATENT DUCTUS ARTERIOSUS. Identifiers: MedGen C1851504, MONDO:0007568, OMIM 132900.
Familial thoracic aortic aneurysm and aortic dissection (TAAD). Also called: Thoracic aortic aneurysms and dissections. Identifiers: Orphanet 91387, MedGen C4707243, MONDO:0019625.

Allele frequency attached by ClinVar (database versions not stated): ExAC 0.00002; gnomAD 0.00002 and 0.00003; gnomAD exomes 0.00002; TOPMed 0.00003; ESP Exome Variant Server 0.00008.
gnomAD v4.1: 30 of 1,613,714 alleles (0.0019%); highest among the groups gnomAD compares: Admixed American, 0.0083%; no homozygotes.

Submissions (6):

Labcorp Genetics (formerly Invitae), Labcorp
Classification: Uncertain significance for Aortic aneurysm, familial thoracic 4. Last evaluated: 2025-05-07. Review status: criteria provided, single submitter. Criteria: Invitae Variant Classification Sherloc (09022015). Collection method: clinical testing. Allele origin: germline.
Comment: This sequence change affects codon 249 of the MYH11 mRNA. It is a 'silent' change, meaning that it does not change the encoded amino acid sequence of the MYH11 protein. It affects a nucleotide within the consensus splice site. This variant is present in population databases (rs375302438, gnomAD 0.01%). This variant has not been reported in the literature in individuals affected with MYH11-related conditions. ClinVar contains an entry for this variant (Variation ID: 519947). Algorithms developed to predict the effect of sequence changes on RNA splicing suggest that this variant is not likely to affect RNA splicing. In summary, the available evidence is currently insufficient to determine the role of this variant in disease. Therefore, it has been classified as a Variant of Uncertain Significance.

All of Us Research Program, National Institutes of Health
Classification: Likely benign for Familial thoracic aortic aneurysm and aortic dissection. Last evaluated: 2024-06-17. Review status: criteria provided, single submitter. Criteria: ACMG Guidelines, 2015. Collection method: clinical testing. Allele origin: germline. Inheritance: Autosomal dominant inheritance. Observed: 5 variant alleles, 5 heterozygotes.
Comment: This study involves interpretation of variants in research participants for the purpose of population health screening. Participant phenotype was not available at the time of variant classification. Additional details can be found in publication PMID: 35346344, PMCID: PMC8962531

Blueprint Genetics
Classification: Likely benign. Last evaluated: 2023-01-11. Review status: criteria provided, single submitter. Criteria: ACMG Guidelines, 2015. Collection method: clinical testing. Allele origin: germline.

GeneDx
Classification: Likely benign. Last evaluated: 2021-01-19. Review status: criteria provided, single submitter. Criteria: GeneDx Variant Classification Process June 2021. Collection method: clinical testing. Allele origin: germline. Affected: yes.

Color Diagnostics, LLC DBA Color Health
Classification: Likely benign for Familial thoracic aortic aneurysm and aortic dissection. Last evaluated: 2018-11-18. Review status: criteria provided, single submitter. Criteria: ACMG Guidelines, 2015. Collection method: clinical testing. Allele origin: germline.

Ambry Genetics
Classification: Likely benign for Familial thoracic aortic aneurysm and aortic dissection. Last evaluated: 2017-03-14. Review status: criteria provided, single submitter. Criteria: Ambry Variant Classification Scheme 2023. Collection method: clinical testing. Allele origin: germline.